The following is an entry in ClinVar:

ClinVar aggregate classification (germline): Likely pathogenic. Review status: criteria provided, multiple submitters, no conflicts (2 of 4 stars). 2 submissions from 2 submitters: Likely pathogenic (2). Last evaluated 2025-10-21.

Conditions:
STRC-related disorder. Also called: STRC-related condition.
Autosomal recessive nonsyndromic hearing loss 16. Also called: DFNB16 Nonsyndromic Hearing Loss and Deafness; DEAFNESS, AUTOSOMAL RECESSIVE 16. Identifiers: Orphanet 90636, MedGen C1863561, MONDO:0011364, OMIM 603720.

Submissions (2):

Translational Hearing Genomics Lab, Boston Children's Hospital
Classification: Likely pathogenic for Autosomal recessive nonsyndromic hearing loss 16. Last evaluated: 2025-10-21. Review status: criteria provided, single submitter. Criteria: ACMG Guidelines, 2015. Collection method: research. Allele origin: unknown. Inheritance: Autosomal recessive inheritance. Affected: yes. Observed: 1 compound heterozygote.
Comment: Variant is absent from population databases (gnomAD), but with poor coverage at this locus. The variant is a loss-of-function variant for a gene in which loss-of-function is a known mechanism of disease. Applied PVS1, PM3.

PreventionGenetics, part of Exact Sciences
Classification: Likely pathogenic for STRC-related condition. Last evaluated: 2025-04-21. Review status: criteria provided, single submitter. Criteria: ACMG Guidelines, 2015. Collection method: clinical testing. Allele origin: germline.
Comment: The STRC c.1741_1749delinsT variant is predicted to result in a frameshift and premature protein termination (p.Leu581Serfs*56). To our knowledge, this variant has not been reported in the literature or in a large population database (gnomAD), indicating this variant is rare. Frameshift variants in STRC are expected to be pathogenic. This variant is interpreted as likely pathogenic.

NM_153700.2(STRC):c.1741_1749delinsT (p.Leu581fs)

Gene: STRC (stereocilin; minus strand). Cytogenetic location: 15q15.3.
Variant type: Indel.
Coding change: c.1741_1749delinsT on transcript NM_153700.2 (MANE Select); coding-DNA positions 1741 to 1749, CTGCCACCA replaced by T.
Protein change: p.Leu581fs; shifts the reading frame from leucine 581.
Molecular consequence: frameshift variant.
Genome position (GRCh38, 1-based): chr15:43,615,817-43,615,825, TGGTGGCAG replaced by A on the plus strand (CTGCCACCA replaced by T on the coding strand, the reverse complement: STRC is on the minus strand). VCF-style: chr15-43615817-TGGTGGCAG-A. GRCh37 (hg19) VCF-style: chr15-43908015-TGGTGGCAG-A.
Other names: short protein forms L581fs.
Identifiers: ClinVar variation 4291700 (VCV004291700.2).